The following is an entry in ClinVar:

ClinVar aggregate classification (germline): Likely benign. Review status: criteria provided, multiple submitters, no conflicts (2 of 4 stars). 4 submissions from 4 submitters: Likely benign (4). Last evaluated 2022-09-23.

Conditions:
Ataxia-telangiectasia syndrome (AT). Also called: Ataxia-telangiectasia, complementation group D; Ataxia-telangiectasia, complementation group E; LOUIS-BAR SYNDROME; AT, COMPLEMENTATION GROUP C; ATAXIA-TELANGIECTASIA, COMPLEMENTATION GROUP A; ATAXIA-TELANGIECTASIA, FRESNO VARIANT. Identifiers: Orphanet 100, MedGen C0004135, MONDO:0008840, OMIM 208900.
Familial cancer of breast. Also called: hereditary breast carcinoma; Hereditary breast cancer; BREAST CANCER, FAMILIAL. Identifiers: Orphanet 227535, MedGen C0346153, MONDO:0016419, OMIM 114480. Disease mechanism: loss of function.

Submissions (4):

Labcorp Genetics (formerly Invitae), Labcorp
Classification: Likely benign for Ataxia-telangiectasia syndrome. Last evaluated: 2022-09-23. Review status: criteria provided, single submitter. Criteria: Invitae Variant Classification Sherloc (09022015). Collection method: clinical testing. Allele origin: germline.

Fulgent Genetics
Classification: Likely benign for Familial cancer of breast; Ataxia-telangiectasia syndrome. Last evaluated: 2021-09-27. Review status: criteria provided, single submitter. Criteria: ACMG Guidelines, 2015. Collection method: clinical testing. Allele origin: unknown.

GeneDx
Classification: Likely benign. Last evaluated: 2015-12-08. Review status: criteria provided, single submitter. Criteria: GeneDx Variant Classification (06012015). Collection method: clinical testing. Allele origin: germline. Affected: yes.
Comment: This variant is considered likely benign or benign based on one or more of the following criteria: it is a conservative change, it occurs at a poorly conserved position in the protein, it is predicted to be benign by multiple in silico algorithms, and/or has population frequency not consistent with disease.

Breakthrough Genomics
Classification: Likely benign. Review status: criteria provided, single submitter. Criteria: ACMG Guidelines, 2015. Collection method: not provided. Allele origin: germline. Inheritance: Autosomal recessive inheritance. Affected: yes.

NM_000051.4(ATM):c.8786+16T>C

Genes: ATM (ATM serine/threonine kinase; plus strand), C11orf65 (chromosome 11 open reading frame 65; minus strand). Cytogenetic location: 11q22.3.
Variant type: single nucleotide variant.
Coding change: c.8786+16T>C on transcript NM_000051.4 (MANE Select); 16 bases into the intron after coding-DNA position 8786, T replaced by C.
Molecular consequence: intron variant.
Genome position (GRCh38, 1-based): chr11:108,353,896, T>C. VCF-style: chr11-108353896-T-C. GRCh37 (hg19) VCF-style: chr11-108224623-T-C.
Other names: c.8786+16T>C (NM_001351834.2); c.640+32024A>G (NM_001330368.2); c.695-18604A>G (NM_001351110.2).
Identifiers: ClinVar variation 382190 (VCV000382190.12), dbSNP rs1057521277, ClinGen allele CA16606137.